The following is an entry in ClinVar:

NM_015021.3(ZNF292):c.1108T>A (p.Ser370Thr)

Gene: ZNF292 (zinc finger protein 292; plus strand). Cytogenetic location: 6q14.3.
Variant type: single nucleotide variant.
Coding change: c.1108T>A on transcript NM_015021.3 (MANE Select); coding-DNA position 1108, T replaced by A.
Protein change: p.Ser370Thr; replaces serine 370 with threonine.
Molecular consequence: missense variant.
Genome position (GRCh38, 1-based): chr6:87,254,737, T>A. VCF-style: chr6-87254737-T-A. GRCh37 (hg19) VCF-style: chr6-87964455-T-A.
Other names: c.688T>A, p.Ser230Thr (NM_001351444.2); short protein forms S230T, S370T.
Identifiers: ClinVar variation 4821154 (VCV004821154.4).
Genomic context (GRCh38, chr6:87,254,737, plus strand): 5'-ATAGAACTGTGTGTAAAGGCTCTTCGCTTGGAGTCTACAGAAAATACTGAAGTGAAAATA[T>A]CTATTTGCAAGACCATTTCATGTTTGTTGCCTGATGATCTGGAAGTTAAACGTGCTTGTC-3'
Protein context (NP_055836.1, residues 360-380): ESTENTEVKI[Ser370Thr]ICKTISCLLP

ClinVar aggregate classification (germline): Uncertain significance (1 of 4 stars; one submission).

Submission:

CeGaT Center for Human Genetics Tuebingen
Classification: Uncertain significance. Last evaluated: 2026-02-01. Review status: criteria provided, single submitter. Criteria: CeGaT Center For Human Genetics Tuebingen Variant Classification Criteria Version 2. Collection method: clinical testing. Allele origin: germline. Affected: yes. Observed: 1 variant allele.
Comment: ZNF292: PM2